The following is an entry in ClinVar:

ClinVar aggregate classification (germline): Uncertain significance. Review status: criteria provided, multiple submitters, no conflicts (2 of 4 stars). 2 submissions from 2 submitters: Uncertain significance (2). Last evaluated 2024-10-09.

Conditions:
RNU5B-1-associated neurodevelopmental disorder.

Submissions (2):

Institute of Human Genetics, University of Leipzig Medical Center
Classification: Uncertain significance for RNU5B-1-associated neurodevelopmental disorder. Last evaluated: 2024-10-09. Review status: criteria provided, single submitter. Criteria: ACMG Guidelines, 2015. Collection method: literature only. Allele origin: de novo. Inheritance: Autosomal dominant inheritance. Affected: yes. Observed: 1 variant allele.
Comment: This variant was identified as de novo

Institute for Human Genetics, University Hospital Essen
Classification: Uncertain significance. Last evaluated: 2005-03-05. Review status: criteria provided, single submitter. Criteria: ACMG Guidelines, 2015. Collection method: clinical testing. Allele origin: de novo. Affected: yes.
Comment: PM2_supp, PS2

Literature cited by the submitters: DOI 10.1101/2024.10.07.24314689 (cited by Institute of Human Genetics, University of Leipzig Medical Center).

NR_002757.3(RNU5B-1):n.24G>C

Genes: RNU5B-1 (RNA, U5B small nuclear 1; plus strand), LOC130057317 (ATAC-STARR-seq lymphoblastoid silent region 6555; plus strand). Cytogenetic location: 15q22.31.
Variant type: single nucleotide variant.
Molecular consequence: non-coding transcript variant (on NR_002757.3).
Genome position: GRCh38 VCF-style: chr15-65304700-G-C. GRCh37 (hg19) VCF-style: chr15-65597038-G-C.
Identifiers: ClinVar variation 3362392 (VCV003362392.2).